The following is an entry in ClinVar:

NM_000492.3(CFTR):c.3718-2477C>T

Genes: CFTR (CF transmembrane conductance regulator; plus strand), CFTR-AS2 (CFTR antisense RNA 2; minus strand), LOC113633877 (CFTR intron 19 DNase I hypersensitive site; plus strand). Cytogenetic location: 7q31.2.
Variant type: single nucleotide variant.
Coding change: c.3718-2477C>T on transcript NM_000492.3; 2477 bases into the intron before coding-DNA position 3718, C replaced by T.
Molecular consequence: intron variant (on NM_000492.4).
Genome position (GRCh38, 1-based): chr7:117,639,961, C>T. VCF-style: chr7-117639961-C-T. GRCh37 (hg19) VCF-style: chr7-117280015-C-T.
Other names: 3849+10kbC->T; 3849+10kbC>T; p.?; 3849+10KB, C-T; c.3718-2477C>T (NM_000492.4).
Identifiers: ClinVar variation 7166 (VCV000007166.172), dbSNP rs75039782, ClinGen allele CA249893.

ClinVar aggregate classification (germline): Pathogenic. Review status: practice guideline (4 of 4 stars). 32 submissions from 32 submitters: Pathogenic (1). 31 of the submissions do not count toward it. Last evaluated 2004-03-03.

Conditions:
CFTR-related disorder (CFTR-RD). Also called: CFTR-related disorders; CFTR-related condition. Identifiers: MedGen C5924204, MONDO:7770004.
Cystic fibrosis (CF). Also called: MUCOVISCIDOSIS. Identifiers: Orphanet 586, MedGen C0010674, MONDO:0009061, OMIM 219700. Disease mechanism: loss of function.
Congenital bilateral aplasia of vas deferens from CFTR mutation (CBAVD). Identifiers: Orphanet 48, MedGen C0403814, MONDO:0010178, OMIM 277180. Disease mechanism: loss of function.
Bronchiectasis with or without elevated sweat chloride 1 (BESC1). Also called: Cystic Fibrosis-Like Syndrome. Identifiers: Orphanet 60033, MedGen C2749757, MONDO:0008887, OMIM 211400.
Hereditary pancreatitis (PCTT). Also called: PRSS1-Related Hereditary Pancreatitis; Hereditary chronic pancreatitis. Identifiers: Orphanet 676, MedGen C0238339, MONDO:0008185, OMIM 167800.

Allele frequency attached by ClinVar (database versions not stated): gnomAD 0.00011; TOPMed 0.00012.
gnomAD v4.1: 18 of 152,004 alleles (0.012%); highest among the groups gnomAD compares: South Asian, 0.062%; no homozygotes.

Submissions 1 to 11 of 32:

American College of Medical Genetics and Genomics  (ACMG)
Classification: Pathogenic for Cystic fibrosis. Last evaluated: 2004-03-03. Review status: practice guideline. Criteria: Guideline for cystic fibrosis carrier screening. Collection method: curation. Allele origin: germline. Inheritance: Autosomal recessive inheritance. Study: The ACMG recommended carrier screening panel.
ClinVar note: Converted during submission from pathogenic to Pathogenic.

CFTR2
Classification: Pathogenic for Cystic fibrosis. Last evaluated: 2017-03-17. Review status: reviewed by expert panel. Criteria: Sosnay PR et al. (Nat Genet 2013). Collection method: research. Allele origin: germline. Affected: yes. Study: CFTR2. Not counted in ClinVar's aggregate classification.

Institute of Human Genetics, University of Leipzig Medical Center
Classification: Pathogenic for Cystic fibrosis. Last evaluated: 2026-07-29. Review status: criteria provided, single submitter. Criteria: ACMG Guidelines, 2015. Collection method: clinical testing. Allele origin: unknown. Inheritance: Autosomal recessive inheritance. Affected: yes. Not counted in ClinVar's aggregate classification.
Comment: Criteria applied: PVS1_STR,PM2,PM3_STR,PP4

PreventionGenetics, part of Exact Sciences
Classification: Pathogenic for CFTR-related condition. Last evaluated: 2026-06-29. Review status: criteria provided, single submitter. Criteria: ACMG Guidelines, 2015. Collection method: clinical testing. Allele origin: germline. Not counted in ClinVar's aggregate classification.
Comment: The CFTR c.3718-2477C>T variant is predicted to interfere with splicing. This variant is also referred to as 3849+10kbC>T or c.3717+12191C>T. This variant has been reported in the homozygous state or with a second CFTR variant in many individuals with cystic fibrosis (CF) and has been associated with a mild phenotype (see for example: Highsmith et al. 1994. PubMed ID: 7521937; McKone et al. 2003. PubMed ID: 12767731; Duguépéroux and Braekeleer. 2005. PubMed ID: 15738290; Supplementary Table 2, Sosnay et al. 2013. PubMed ID: 23974870). It is included in the American College Medical Genetics (ACMG) panel of CF variants (Watson et al. 2004. PubMed ID: 15371902; Deignan et al. 2023. PubMed ID: 37310422). In vitro experimental studies indicate this variant results in the inclusion of an 84 bp pseudoexon (Highsmith et al. 1994. PubMed ID: 7521937; Sanz et al. 2017. PubMed ID: 28863137). This variant is reported in 0.69% of alleles in individuals of Ashkenazi Jewish descent in gnomAD. This variant is interpreted as pathogenic.

Labcorp Genetics (formerly Invitae), Labcorp
Classification: Pathogenic for Cystic fibrosis. Last evaluated: 2026-01-16. Review status: criteria provided, single submitter. Criteria: Invitae Variant Classification Sherloc (09022015). Collection method: clinical testing. Allele origin: germline. Not counted in ClinVar's aggregate classification.
Comment: This sequence change falls in intron 22 of the CFTR gene. It does not directly change the encoded amino acid sequence of the CFTR protein. RNA analysis indicates that this variant induces altered splicing and may result in an absent or altered protein product. This variant is present in population databases (rs75039782, gnomAD 0.3%). This variant has been observed in individual(s) with cystic fibrosis (CF) and is included in the American College of Medical Genetics panel of CF variants (PMID: 15371902, 23974870, 26631874). In at least one individual the data is consistent with being in trans (on the opposite chromosome) from a pathogenic variant. This variant is also known as 3849+10kbC>T in intron 19 or IVS22+12191. ClinVar contains an entry for this variant (Variation ID: 7166). Studies have shown that this variant results in inclusion of a pseudo-exon, and produces a non-functional protein and/or introduces a premature termination codon (PMID: 7521937). For these reasons, this variant has been classified as Pathogenic.

Natera, Inc.
Classification: Pathogenic for CFTR-related disorders. Last evaluated: 2025-07-06. Review status: criteria provided, single submitter. Criteria: Natera Variant Classification Schema (03/2026). Collection method: clinical testing. Allele origin: germline. Not counted in ClinVar's aggregate classification.
Comment: The c.3718-2477C>T variant in CFTR is an intronic variant located outside the canonical splice sites. This variant is rare in the general population with a frequency below the threshold expected for the associated phenotype(s). This variant has been observed in one or more individuals affected with the associated recessive disease, as either homozygous or compound heterozygous with a second variant (PMID: 21811577). This variant has been found together with another disease-causing variant in the same copy of the gene (PMID: 31877800). Given the available evidence, this variant is classified as Pathogenic.

ARUP Laboratories, Molecular Genetics and Genomics, ARUP Laboratories
Classification: Pathogenic for Cystic fibrosis. Last evaluated: 2025-06-05. Review status: criteria provided, single submitter. Criteria: ARUP Molecular Germline Variant Investigation Process 2024. Collection method: clinical testing. Allele origin: germline. Not counted in ClinVar's aggregate classification.
Comment: The CFTR c.3718-2477C>T variant (rs75039782), also known as 3717+12191C>T or 3849+10kbC>T, is reported in the literature in individuals affected with pancreatic sufficient cystic fibrosis (Highsmith 1994, McKone 2003, Ooi 2012, Sosnay 2013). This variant is reported in ClinVar (Variation ID: 7166), and is only observed on two alleles in the Genome Aggregation Database, indicating it is not a common polymorphism. This is an intronic variant in a weakly conserved nucleotide, but computational analyses (Alamut v.2.11) predict that this variant may impact splicing by creating a novel cryptic donor splice site and activating a nearby cryptic acceptor splice site. Functional assays show that this leads to the abnormal inclusion of intronic sequence, in the form of a new 84bp exon in the CFTR mRNA (Highsmith 1994). The new exon also includes an in-frame termination codon, which is predicted to result in a truncated protein and or absent transcript. Based on available information, this variant is considered to be pathogenic. References: Highsmith WE et al. A novel mutation in the cystic fibrosis gene in patients with pulmonary disease but normal sweat chloride concentrations. N Engl J Med.1994 331(15):974-80. PMID: 7521937 McKone EF et al. Effect of genotype on phenotype and mortality in cystic fibrosis: a retrospective cohort study. Lancet. 2003 361(9370):1671-6. PMID: 12767731 Ooi CY et al. Cystic fibrosis transmembrane conductance regulator (CFTR) gene mutations in pancreatitis. J Cyst Fibros. 2012 11(5):355-62. PMID: 22658665 Sosnay PR et al. Defining the disease liability of variants in the cystic fibrosis transmembrane conductance regulator gene. Nat Genet. 2013 45(10):1160-7. PMID: 23974870

Ambry Genetics
Classification: Pathogenic for Cystic fibrosis. Last evaluated: 2025-01-23. Review status: criteria provided, single submitter. Criteria: Ambry Variant Classification Scheme 2023. Collection method: clinical testing. Allele origin: germline. Not counted in ClinVar's aggregate classification.
Comment: The c.3718-2477C>T intronic pathogenic mutation (also known as c.3717+12191C>T and 3849+10kbC>T) results from a C to T substitution 2477 nucleotides upstream from coding exon 23 in the CFTR gene. This alteration results in the creation of a partially active splice site and the insertion of 84 additional nucleotides, containing an in-frame stop codon between coding exons 22 and 23 in a majority of CFTR transcripts (Highsmith WE et al. N. Engl. J. Med., 1994 Oct;331:974-80). This leads to a reduced amount of functional CFTR protein (McKone EF et al. Lancet, 2003 May;361:1671-6). This alteration is associated with elevated sweat chloride levels, respiratory symptoms, and pancreatic sufficiency (Sosnay PR et al. Nat. Genet., 2013 Oct;45:1160-7). Based on the supporting evidence, this alteration is interpreted as a disease-causing mutation.

Blueprint Genetics
Classification: Pathogenic for CFTR-related disorders. Last evaluated: 2024-11-01. Review status: criteria provided, single submitter. Criteria: ACMG Guidelines, 2015. Collection method: clinical testing. Allele origin: germline. Affected: yes. Observed: 5 variant alleles. Not counted in ClinVar's aggregate classification.

Dubai Health Genomic Medicine Center, Dubai Health
Classification: Pathogenic for Cystic fibrosis. Last evaluated: 2024-10-04. Review status: criteria provided, single submitter. Criteria: ACMG Guidelines, 2015. Collection method: research. Allele origin: germline. Affected: yes. Not counted in ClinVar's aggregate classification.
Comment: PS3,PM3(very strong),PM2

Mayo Clinic Laboratories, Mayo Clinic
Classification: Pathogenic. Last evaluated: 2023-12-07. Review status: criteria provided, single submitter. Criteria: ACMG Guidelines, 2015. Collection method: clinical testing. Allele origin: germline. Observed: 2 variant alleles. Not counted in ClinVar's aggregate classification.